The following is an entry in ClinVar:

ClinVar aggregate classification (germline): Uncertain significance (1 of 4 stars; one submission).

Conditions:
Epilepsy, progressive myoclonic, 1B. Also called: PME. Identifiers: Orphanet 308, MedGen C2676254, MONDO:0012904, OMIM 612437.

Allele frequency attached by ClinVar (database versions not stated): gnomAD exomes below 0.00001; gnomAD 0.00001; TOPMed 0.00001.
gnomAD v4.1: 2 of 1,614,056 alleles (0.00012%); highest among the groups gnomAD compares: Non-Finnish European, 0.00017%; no homozygotes.

Submission:

Labcorp Genetics (formerly Invitae), Labcorp
Classification: Uncertain significance for Epilepsy, progressive myoclonic, 1B. Last evaluated: 2021-08-27. Review status: criteria provided, single submitter. Criteria: Invitae Variant Classification Sherloc (09022015). Collection method: clinical testing. Allele origin: germline.
Comment: This sequence change replaces glycine with serine at codon 15 of the PRICKLE1 protein (p.Gly15Ser). The glycine residue is highly conserved and there is a small physicochemical difference between glycine and serine. This variant is not present in population databases (ExAC no frequency). This variant has not been reported in the literature in individuals affected with PRICKLE1-related conditions. Algorithms developed to predict the effect of missense changes on protein structure and function are either unavailable or do not agree on the potential impact of this missense change (SIFT: "Deleterious"; PolyPhen-2: "Possibly Damaging"; Align-GVGD: "Class C0"). Algorithms developed to predict the effect of sequence changes on RNA splicing suggest that this variant may create or strengthen a splice site. In summary, the available evidence is currently insufficient to determine the role of this variant in disease. Therefore, it has been classified as a Variant of Uncertain Significance.

NM_153026.3(PRICKLE1):c.43G>A (p.Gly15Ser)

Gene: PRICKLE1 (prickle planar cell polarity protein 1; minus strand). Cytogenetic location: 12q12.
Variant type: single nucleotide variant.
Coding change: c.43G>A on transcript NM_153026.3 (MANE Select); coding-DNA position 43, G replaced by A.
Protein change: p.Gly15Ser; replaces glycine 15 with serine.
Molecular consequence: missense variant.
Genome position (GRCh38, 1-based): chr12:42,472,474, C>T on the plus strand (G>A on the coding strand, the complement: PRICKLE1 is on the minus strand). VCF-style: chr12-42472474-C-T. GRCh37 (hg19) VCF-style: chr12-42866276-C-T.
Other names: c.43G>A, p.Gly15Ser (NM_001144881.2, NM_001144882.2, NM_001144883.2); short protein forms G15S.
Identifiers: ClinVar variation 1011686 (VCV001011686.6), dbSNP rs1258793726, ClinGen allele CA384444889.